The following is an entry in ClinVar:

ClinVar aggregate classification (germline): Uncertain significance. Review status: criteria provided, multiple submitters, no conflicts (2 of 4 stars). 3 submissions from 3 submitters: Uncertain significance (3). Last evaluated 2024-11-10.

Conditions:
Dehydrated hereditary stomatocytosis with or without pseudohyperkalemia and/or perinatal edema (DHS1). Also called: Dehydrated hereditary stomatocytosis 1 with or without pseudohyperkalemia and/or perinatal edema; PSEUDOHYPERKALEMIA EDINBURGH; DEHYDRATED HEREDITARY STOMATOCYTOSIS AND PSEUDOHYPERKALEMIA; DEHYDRATED HEREDITARY STOMATOCYTOSIS WITH PSEUDOHYPERKALEMIA AND PERINATAL EDEMA; Pseudohyperkalemia, familial, 1, due to red cell leak. Identifiers: Orphanet 3202, MedGen C4551512, MONDO:0008689, OMIM 194380.
Inborn genetic diseases. Identifiers: MedGen C0950123, MeSH D030342.

Allele frequency attached by ClinVar (database versions not stated): TOPMed below 0.00001; ExAC 0.00017; 1000 Genomes Project 0.00020; gnomAD 0.00050; gnomAD exomes 0.00001.
gnomAD v4.1: 17 of 1,130,566 alleles (0.0015%); highest among the groups gnomAD compares: South Asian, 0.026%; no homozygotes.

Submissions (3):

Ambry Genetics
Classification: Uncertain significance for Inborn genetic diseases. Last evaluated: 2024-11-10. Review status: criteria provided, single submitter. Criteria: Ambry Variant Classification Scheme 2023. Collection method: clinical testing. Allele origin: germline.

Revvity Omics, Revvity
Classification: Uncertain significance. Last evaluated: 2024-08-07. Review status: criteria provided, single submitter. Criteria: ACMG Guidelines, 2015. Collection method: clinical testing. Allele origin: germline.

Neuberg Centre For Genomic Medicine, NCGM
Classification: Uncertain significance for Dehydrated hereditary stomatocytosis with or without pseudohyperkalemia and/or perinatal edema. Review status: criteria provided, single submitter. Criteria: ACMG Guidelines, 2015. Collection method: clinical testing. Allele origin: germline. Inheritance: Autosomal dominant inheritance. Affected: yes.
Comment: The missense variant p.Q1009L in PIEZO1 (NM_001142864.4) has not been reported previously as a pathogenic variant nor as a benign variant, to our knowledge.The missense variant c.3026A>T (p.Q1009L) in PIEZO1 (NM_001142864.4) is observed in 8/16948 (0.0472%) alleles from individuals of South Asian background in the gnomAD dataset (Exome Aggregation Consortium et al., 2016), but was not seen in the homozygous state. However this does not represent true population frequency as the variant was covered in fewer than 50% of the individuals. The p.Q1009L missense variant is predicted to be damaging by both SIFT and PolyPhen2. The glutamine residue at codon 1009 of PIEZO1 is conserved in all mammalian species. The nucleotide c.3026 in PIEZO1 is predicted conserved by GERP++ and PhyloP across 100 vertebrates. For these reasons, this variant has been classified as Uncertain Significance

NM_001142864.4(PIEZO1):c.3026A>T (p.Gln1009Leu)

Genes: HSALR1 (HSP90AB1 associated lncRNA 1; plus strand), PIEZO1 (piezo type mechanosensitive ion channel component 1 (Er blood group); minus strand). Cytogenetic location: 16q24.3.
Variant type: single nucleotide variant.
Coding change: c.3026A>T on transcript NM_001142864.4 (MANE Select); coding-DNA position 3026, A replaced by T.
Protein change: p.Gln1009Leu; replaces glutamine 1009 with leucine.
Molecular consequence: missense variant.
Genome position (GRCh38, 1-based): chr16:88,731,876, T>A on the plus strand (A>T on the coding strand, the complement: PIEZO1 is on the minus strand). VCF-style: chr16-88731876-T-A. GRCh37 (hg19) VCF-style: chr16-88798284-T-A.
Other names: c.3026A>T (NM_001142864.2); c.1568A>T, p.Gln523Leu (NM_014745.1); short protein forms Q1009L, Q523L.
Identifiers: ClinVar variation 2627413 (VCV002627413.3), dbSNP rs564623447, ClinGen allele CA8232579.